The following is an entry in ClinVar:

ClinVar aggregate classification (germline): Uncertain significance. Review status: criteria provided, multiple submitters, no conflicts (2 of 4 stars). 6 submissions from 6 submitters: Uncertain significance (5). 1 of the submissions does not count toward it. Last evaluated 2025-08-29.

Conditions:
Hereditary cancer-predisposing syndrome. Also called: Tumor predisposition; Neoplastic Syndromes, Hereditary; Hereditary neoplastic syndrome; Hereditary Cancer Syndrome. Identifiers: Orphanet 140162, MedGen C0027672, MeSH D009386, MONDO:0015356.
Hereditary breast ovarian cancer syndrome. Also called: Hereditary breast and ovarian cancer; BRCA1- and BRCA2-Associated Hereditary Breast and Ovarian Cancer; Breast and ovarian cancer; Hereditary breast and/or ovarian cancer syndrome; Hereditary breast and ovarian cancer syndrome; Hereditary breast and ovarian cancer syndrome (HBOC). Identifiers: Orphanet 145, MedGen C0677776, MeSH D061325, MONDO:0003582. Disease mechanism: loss of function.

Allele frequency attached by ClinVar (database versions not stated): gnomAD 0.00001.
gnomAD v4.1: 2 of 1,613,880 alleles (0.00012%); highest among the groups gnomAD compares: South Asian, 0.0011%; no homozygotes.

Submissions (6):

Labcorp Genetics (formerly Invitae), Labcorp
Classification: Uncertain significance for Hereditary breast ovarian cancer syndrome. Last evaluated: 2025-08-29. Review status: criteria provided, single submitter. Criteria: Invitae Variant Classification Sherloc (09022015). Collection method: clinical testing. Allele origin: germline.
Comment: This sequence change replaces glutamic acid, which is acidic and polar, with glycine, which is neutral and non-polar, at codon 182 of the BRCA2 protein (p.Glu182Gly). This variant is not present in population databases (gnomAD no frequency). This variant has not been reported in the literature in individuals affected with BRCA2-related conditions. ClinVar contains an entry for this variant (Variation ID: 186091). Invitae Evidence Modeling of protein sequence and biophysical properties (such as structural, functional, and spatial information, amino acid conservation, physicochemical variation, residue mobility, and thermodynamic stability) indicates that this missense variant is not expected to disrupt BRCA2 protein function with a negative predictive value of 95%. In summary, the available evidence is currently insufficient to determine the role of this variant in disease. Therefore, it has been classified as a Variant of Uncertain Significance.

GeneDx
Classification: Uncertain significance. Last evaluated: 2024-05-24. Review status: criteria provided, single submitter. Criteria: GeneDx Variant Classification Process June 2021. Collection method: clinical testing. Allele origin: germline. Affected: yes.
Comment: Not observed at significant frequency in large population cohorts (gnomAD); In silico analysis indicates that this missense variant does not alter protein structure/function; Has not been previously published as pathogenic or benign to our knowledge; Also known as 773A>G; This variant is associated with the following publications: (PMID: 32377563, 29884841)

Quest Diagnostics Nichols Institute San Juan Capistrano
Classification: Uncertain significance. Last evaluated: 2024-02-21. Review status: criteria provided, single submitter. Criteria: Quest Diagnostics criteria. Collection method: clinical testing. Allele origin: unknown.
Comment: The BRCA2 c.545A>G (p.Glu182Gly) variant has not been reported in individuals with BRCA2-related conditions in the published literature. It also has not been reported in large, multi-ethnic general populations (Genome Aggregation Database). Analysis of this variant using bioinformatics tools for the prediction of the effect of amino acid changes on protein structure and function yielded conflicting predictions that this variant is benign or damaging. Based on the available information, we are unable to determine the clinical significance of this variant.

Blueprint Genetics
Classification: Uncertain significance. Last evaluated: 2024-01-11. Review status: criteria provided, single submitter. Criteria: ACMG Guidelines, 2015. Collection method: clinical testing. Allele origin: germline.

Ambry Genetics
Classification: Uncertain significance for Hereditary cancer-predisposing syndrome. Last evaluated: 2022-12-08. Review status: criteria provided, single submitter. Criteria: Ambry Variant Classification Scheme 2023. Collection method: clinical testing. Allele origin: germline.
Comment: The p.E182G variant (also known as c.545A>G), located in coding exon 6 of the BRCA2 gene, results from an A to G substitution at nucleotide position 545. The glutamic acid at codon 182 is replaced by glycine, an amino acid with similar properties. This amino acid position is highly conserved in available vertebrate species. In addition, this alteration is predicted to be tolerated by in silico analysis. Since supporting evidence is limited at this time, the clinical significance of this alteration remains unclear.

Genetic Services Laboratory, University of Chicago
Classification: Uncertain significance. Last evaluated: 2022-08-26. Review status: no assertion criteria provided. Collection method: clinical testing. Allele origin: germline. Affected: no. Not counted in ClinVar's aggregate classification.
Comment: DNA sequence analysis of the BRCA2 gene demonstrated a sequence change, c.545A>G, in exon 7 that results in an amino acid change, p.Glu182Gly. This sequence change does not appear to have been previously described in individuals with BRCA2-related disorders and has also not been described in the population databases such as ExAC and gnomAD (dbSNP rs786202685). The p.Glu182Gly change affects a highly conserved amino acid residue located in a domain of the BRCA2 protein that is known to be functional. In-silico pathogenicity prediction tools (SIFT, PolyPhen2, Align GVGD, REVEL) provide contradictory results for the p.Glu182Gly substitution. Due to insufficient evidence and the lack of functional studies, the clinical significance of the p.Glu182Gly change remains unknown at this time.

NM_000059.4(BRCA2):c.545A>G (p.Glu182Gly)

Gene: BRCA2 (BRCA2 DNA repair associated; plus strand). Cytogenetic location: 13q13.1.
Variant type: single nucleotide variant.
Coding change: c.545A>G on transcript NM_000059.4 (MANE Select); coding-DNA position 545, A replaced by G.
Protein change: p.Glu182Gly; replaces glutamic acid 182 with glycine.
Molecular consequence: missense variant.
Genome position (GRCh38, 1-based): chr13:32,326,527, A>G. VCF-style: chr13-32326527-A-G. GRCh37 (hg19) VCF-style: chr13-32900664-A-G.
Other names: short protein forms E182G.
Identifiers: ClinVar variation 186091 (VCV000186091.16), dbSNP rs786202685, ClinGen allele CA022358.
Genomic context (GRCh38, chr13:32,326,527, plus strand): 5'-TATAAAAAATAAACTATTTTCTTTCCTCCCAGGGTCGTCAGACACCAAAACATATTTCTG[A>G]AAGTCTAGGAGCTGAGGTGGATCCTGATATGTCTTGGTCAAGTTCTTTAGCTACACCACC-3'
Protein context (NP_000050.3, residues 172-192): KGRQTPKHIS[Glu182Gly]SLGAEVDPDM